The following is an entry in ClinVar:

NM_012254.3(SLC27A5):c.796del (p.Ala266fs)

Gene: SLC27A5 (solute carrier family 27 member 5; minus strand). Cytogenetic location: 19q13.43.
Variant type: Deletion.
Coding change: c.796del on transcript NM_012254.3 (MANE Select); coding-DNA position 796, one base deleted (G; older notation c.796delG).
Protein change: p.Ala266fs; shifts the reading frame from alanine 266.
Molecular consequence: frameshift variant.
Genome position (GRCh38, 1-based): chr19:58,510,823, C deleted on the plus strand (G on the coding strand, the reverse complement: SLC27A5 is on the minus strand); the first of 5 consecutive C bases (chr19:58,510,823-58,510,827); deleting any one gives the same sequence. VCF-style (leftmost placement, unchanged base first): chr19-58510822-GC-G. GRCh37 (hg19) VCF-style: chr19-59022189-GC-G.
Other names: c.544del, p.Ala182fs (NM_001321196.2); short protein forms A182fs, A266fs.
Identifiers: ClinVar variation 3650611 (VCV003650611.2).

ClinVar aggregate classification (germline): Uncertain significance (1 of 4 stars; one submission).

Submission:

Labcorp Genetics (formerly Invitae), Labcorp
Classification: Uncertain significance. Last evaluated: 2024-02-11. Review status: criteria provided, single submitter. Criteria: Invitae Variant Classification Sherloc (09022015). Collection method: clinical testing. Allele origin: germline.
Comment: This sequence change creates a premature translational stop signal (p.Ala266Leufs*50) in the SLC27A5 gene. It is expected to result in an absent or disrupted protein product. However, the current clinical and genetic evidence is not sufficient to establish whether loss-of-function variants in SLC27A5 cause disease. This variant is present in population databases (no rsID available, gnomAD 0.002%). This variant has not been reported in the literature in individuals affected with SLC27A5-related conditions. In summary, the available evidence is currently insufficient to determine the role of this variant in disease. Therefore, it has been classified as a Variant of Uncertain Significance.